The following is an entry in ClinVar:

NM_139076.3(ABRAXAS1):c.21G>A (p.Ser7=)

Genes: ABRAXAS1 (abraxas 1, BRCA1 A complex subunit; minus strand), LOC129992784 (ATAC-STARR-seq lymphoblastoid silent region 15542; plus strand). Cytogenetic location: 4q21.23.
Variant type: single nucleotide variant.
Coding change: c.21G>A on transcript NM_139076.3 (MANE Select); coding-DNA position 21, G replaced by A.
Protein change: p.Ser7=; no amino-acid change (serine 7 retained).
Molecular consequence: synonymous variant. On other transcripts: 5 prime UTR variant (1).
Genome position (GRCh38, 1-based): chr4:83,485,052, C>T on the plus strand (G>A on the coding strand, the complement: ABRAXAS1 is on the minus strand). VCF-style: chr4-83485052-C-T. GRCh37 (hg19) VCF-style: chr4-84406205-C-T.
Other names: c.-240G>A (NM_001345962.2).
Identifiers: ClinVar variation 416711 (VCV000416711.16), dbSNP rs145796091, ClinGen allele CA2990685.

ClinVar aggregate classification (germline): Benign. Review status: criteria provided, multiple submitters, no conflicts (2 of 4 stars). 4 submissions from 4 submitters: Benign (3). 1 of the submissions does not count toward it. Last evaluated 2026-01-27.

Conditions:
ABRAXAS1-related disorder. Also called: ABRAXAS1-related condition.

Allele frequency attached by ClinVar (database versions not stated): ESP Exome Variant Server 0.00025; gnomAD exomes 0.00263 and 0.01145; gnomAD 0.00662 and 0.00682; ExAC 0.00852; TOPMed 0.01126; 1000 Genomes Project 0.01258; 1000 Genomes Project 30x 0.01374.
gnomAD v4.1: 4,865 of 1,593,722 alleles (0.31%); highest among the groups gnomAD compares: Admixed American, 6.7%; 181 homozygotes.

Submissions (4):

Labcorp Genetics (formerly Invitae), Labcorp
Classification: Benign. Last evaluated: 2026-01-27. Review status: criteria provided, single submitter. Criteria: Invitae Variant Classification Sherloc (09022015). Collection method: clinical testing. Allele origin: germline.

GeneDx
Classification: Benign. Last evaluated: 2015-03-03. Review status: criteria provided, single submitter. Criteria: GeneDx Variant Classification Process June 2021. Collection method: clinical testing. Allele origin: germline. Affected: yes.

Breakthrough Genomics
Classification: Benign. Review status: criteria provided, single submitter. Criteria: ACMG Guidelines, 2015. Collection method: not provided. Allele origin: germline. Inheritance: Unknown mechanism. Affected: yes.

PreventionGenetics, part of Exact Sciences
Classification: Benign for ABRAXAS1-related condition. Last evaluated: 2019-05-23. Review status: no assertion criteria provided. Collection method: clinical testing. Allele origin: germline. Not counted in ClinVar's aggregate classification.
Comment: This variant is classified as benign based on ACMG/AMP sequence variant interpretation guidelines (Richards et al. 2015 PMID: 25741868, with internal and published modifications).